The following is an entry in ClinVar:

ClinVar aggregate classification (germline): Uncertain significance. Review status: criteria provided, multiple submitters, no conflicts (2 of 4 stars). 7 submissions from 6 submitters: Uncertain significance (7). Last evaluated 2025-05-16.

Conditions:
Inborn genetic diseases. Identifiers: MedGen C0950123, MeSH D030342.
Neurofibromatosis, type 1 (NF1). Also called: VON RECKLINGHAUSEN DISEASE; Peripheral type neurofibromatosis; NEUROFIBROMATOSIS, TYPE I, SOMATIC; Neurofibromatosis, type I. Identifiers: Orphanet 636, MedGen C0027831, MONDO:0018975, OMIM 162200. Disease mechanism: loss of function.
Hereditary pheochromocytoma and paraganglioma. Also called: Hereditary Paraganglioma-Pheochromocytoma Syndromes; Hereditary pheochromocytoma-paraganglioma; Hereditary paragangliomas and pheochromocytomas. Identifiers: Orphanet 29072, MedGen C4274332, MONDO:0017366.
Cardiovascular phenotype. Identifiers: MedGen CN230736.
Hereditary cancer-predisposing syndrome. Also called: Hereditary Cancer Syndrome; Hereditary neoplastic syndrome; Neoplastic Syndromes, Hereditary; Tumor predisposition. Identifiers: Orphanet 140162, MedGen C0027672, MeSH D009386, MONDO:0015356.

Submissions (7):

Ambry Genetics
Classification: Uncertain significance for Cardiovascular phenotype; Hereditary cancer-predisposing syndrome. Last evaluated: 2025-05-16. Review status: criteria provided, single submitter. Criteria: Ambry Variant Classification Scheme 2023. Collection method: clinical testing. Allele origin: germline.
Comment: The p.A188E variant (also known as c.563C>A), located in coding exon 5 of the NF1 gene, results from a C to A substitution at nucleotide position 563. The alanine at codon 188 is replaced by glutamic acid, an amino acid with dissimilar properties. This amino acid position is not well conserved in available vertebrate species. In addition, this alteration is predicted to be tolerated by in silico analysis. Based on the available evidence, the clinical significance of this variant remains unclear.

Department of Pathology and Laboratory Medicine, Sinai Health System
Classification: Uncertain significance for Hereditary pheochromocytoma and paraganglioma. Last evaluated: 2023-06-16. Review status: criteria provided, single submitter. Criteria: ACMG Guidelines, 2015. Collection method: clinical testing. Allele origin: germline. Affected: yes.

Labcorp Genetics (formerly Invitae), Labcorp
Classification: Uncertain significance for Neurofibromatosis, type 1. Last evaluated: 2022-10-07. Review status: criteria provided, single submitter. Criteria: Invitae Variant Classification Sherloc (09022015). Collection method: clinical testing. Allele origin: germline.
Comment: In summary, the available evidence is currently insufficient to determine the role of this variant in disease. Therefore, it has been classified as a Variant of Uncertain Significance. Advanced modeling of protein sequence and biophysical properties (such as structural, functional, and spatial information, amino acid conservation, physicochemical variation, residue mobility, and thermodynamic stability) performed at Invitae indicates that this missense variant is not expected to disrupt NF1 protein function. ClinVar contains an entry for this variant (Variation ID: 1319350). This variant has not been reported in the literature in individuals affected with NF1-related conditions. This variant is not present in population databases (gnomAD no frequency). This sequence change replaces alanine, which is neutral and non-polar, with glutamic acid, which is acidic and polar, at codon 188 of the NF1 protein (p.Ala188Glu).

Clinical Genetics Laboratory, Skane University Hospital Lund
Classification: Uncertain significance. Last evaluated: 2022-05-27. Review status: criteria provided, single submitter. Criteria: ACMG Guidelines, 2015. Collection method: clinical testing. Allele origin: germline. Affected: yes.

Institute for Clinical Genetics, University Hospital TU Dresden, University Hospital TU Dresden
Classification: Uncertain significance. Last evaluated: 2021-11-03. Review status: criteria provided, single submitter. Criteria: ACMG Guidelines, 2015. Collection method: clinical testing. Allele origin: germline.

Ambry Genetics
Classification: Uncertain significance for Inborn genetic diseases. Last evaluated: 2021-02-24. Review status: criteria provided, single submitter. Criteria: Ambry General Variant Classification Scheme_2022. Collection method: clinical testing. Allele origin: germline. Observed: 1 variant allele.
Comment: The c.563C>A (p.A188E) alteration is located in exon 5 (coding exon 5) of the NF1 gene. This alteration results from a C to A substitution at nucleotide position 563, causing the alanine (A) at amino acid position 188 to be replaced by a glutamic acid (E). The in silico prediction for the p.A188E alteration is inconclusive. Based on insufficient or conflicting evidence, the clinical significance of this alteration remains unclear.

Breakthrough Genomics
Classification: Uncertain significance. Review status: criteria provided, single submitter. Criteria: ACMG Guidelines, 2015. Collection method: not provided. Allele origin: germline. Inheritance: Autosomal dominant inheritance. Affected: yes.

NM_001042492.3(NF1):c.563C>A (p.Ala188Glu)

Gene: NF1 (neurofibromin 1; plus strand). Cytogenetic location: 17q11.2.
Variant type: single nucleotide variant.
Coding change: c.563C>A on transcript NM_001042492.3 (MANE Select); coding-DNA position 563, C replaced by A.
Protein change: p.Ala188Glu; replaces alanine 188 with glutamic acid.
Molecular consequence: missense variant.
Genome position (GRCh38, 1-based): chr17:31,169,974, C>A. VCF-style: chr17-31169974-C-A. GRCh37 (hg19) VCF-style: chr17-29496992-C-A.
Other names: c.563C>A, p.Ala188Glu (NM_000267.4, NM_001128147.3); short protein forms A188E.
Identifiers: ClinVar variation 1319350 (VCV001319350.11), dbSNP rs1060500309, ClinGen allele CA398985360.
Genomic context (GRCh38, chr17:31,169,974, plus strand): 5'-CAGAAGACAATGTTGATGTTCATGATATAGAATTGTTACAGTATATCAATGTGGATTGTG[C>A]AAAATTAAAACGACTCCTGAAGGGTAAGTTTAAATGTATAATATATCTGAAAAAAATCAC-3'
Protein context (NP_001035957.1, residues 178-198): ELLQYINVDC[Ala188Glu]KLKRLLKETA